The following is an entry in ClinVar:

NM_004618.5(TOP3A):c.2498G>A (p.Arg833Gln)

Gene: TOP3A (DNA topoisomerase III alpha; minus strand). Cytogenetic location: 17p11.2.
Variant type: single nucleotide variant.
Coding change: c.2498G>A on transcript NM_004618.5 (MANE Select); coding-DNA position 2498, G replaced by A.
Protein change: p.Arg833Gln; replaces arginine 833 with glutamine.
Molecular consequence: missense variant.
Genome position (GRCh38, 1-based): chr17:18,278,004, C>T on the plus strand (G>A on the coding strand, the complement: TOP3A is on the minus strand). VCF-style: chr17-18278004-C-T. GRCh37 (hg19) VCF-style: chr17-18181318-C-T.
Other names: c.2213G>A, p.Arg738Gln (NM_001320759.2); short protein forms R833Q, R738Q.
Identifiers: ClinVar variation 2559337 (VCV002559337.3), dbSNP rs368210504, ClinGen allele CA8429587.
Genomic context (GRCh38, chr17:18,278,004, plus strand): 5'-TTGGGGCTGTCTGCCCACAGGAAGAAGTTGCAGCTACCTCCGTTGCACTTAAAGAACTGC[C>T]GGCCCCGGTTGGGGCCCTCCTTACGGACAGTGAGCAGCACAGCCTCCTGGCCACAGTTGC-3'
Protein context (NP_004609.1, residues 823-843): TVRKEGPNRG[Arg833Gln]QFFKCNGGSC

ClinVar aggregate classification (germline): Uncertain significance. Review status: criteria provided, multiple submitters, no conflicts (2 of 4 stars). 2 submissions from 2 submitters: Uncertain significance (2). Last evaluated 2026-01-05.

Conditions:
Inborn genetic diseases. Identifiers: MedGen C0950123, MeSH D030342.

Allele frequency attached by ClinVar (database versions not stated): TOPMed 0.00002; ESP Exome Variant Server 0.00008.
gnomAD v4.1: 40 of 1,614,144 alleles (0.0025%); highest among the groups gnomAD compares: Middle Eastern, 0.016%; no homozygotes.

Submissions (2):

Labcorp Genetics (formerly Invitae), Labcorp
Classification: Uncertain significance. Last evaluated: 2026-01-05. Review status: criteria provided, single submitter. Criteria: Invitae Variant Classification Sherloc (09022015). Collection method: clinical testing. Allele origin: germline.
Comment: This sequence change replaces arginine, which is basic and polar, with glutamine, which is neutral and polar, at codon 833 of the TOP3A protein (p.Arg833Gln). This variant is present in population databases (rs368210504, gnomAD 0.007%). This variant has not been reported in the literature in individuals affected with TOP3A-related conditions. ClinVar contains an entry for this variant (Variation ID: 2559337). An algorithm developed to predict the effect of missense changes on protein structure and function (PolyPhen-2) suggests that this variant is likely to be disruptive. In summary, the available evidence is currently insufficient to determine the role of this variant in disease. Therefore, it has been classified as a Variant of Uncertain Significance.

Ambry Genetics
Classification: Uncertain significance for Inborn genetic diseases. Last evaluated: 2023-06-12. Review status: criteria provided, single submitter. Criteria: Ambry Variant Classification Scheme 2023. Collection method: clinical testing. Allele origin: germline.